The following is an entry in ClinVar:

NM_001374736.1(DST):c.21403-23TG[8]

Gene: DST (dystonin; minus strand). Cytogenetic location: 6p12.1.
Variant type: Microsatellite.
Coding change: c.21403-23TG[8] on transcript NM_001374736.1 (MANE Select); eight copies in a row of the 2-base unit TG starting at c.21403-23; the reference has seven copies in a row; one copy, 2 bases duplicated.
Molecular consequence: intron variant.
Genome position (GRCh38, 1-based): chr6:56,482,188-56,482,189, CA duplicated on the plus strand (TG on the coding strand, the reverse complement: DST is on the minus strand); duplicating any 2 consecutive bases within chr6:56,482,188-56,482,202 gives the same sequence; the position shown is the placement nearest the transcript's 3' end. VCF-style (leftmost placement, unchanged base first): chr6-56482187-T-TCA. GRCh37 (hg19) VCF-style: chr6-56346985-T-TCA.
Other names: p.?; c.13534-11_13534-10dup (NM_015548.5); c.15046-23TG[8] (NM_001144769.5); c.21403-23TG[8] (NM_001374722.1); c.21430-23TG[8] (NM_001374734.1); c.14632-23TG[8] (NM_001144770.2); c.14185-23TG[8] (NM_001374730.1); c.14512-23TG[8] (NM_001386100.1, NM_183380.4); and 2 more.
Identifiers: ClinVar variation 796766 (VCV000796766.18), dbSNP rs144810945, ClinGen allele CA3866488.

ClinVar aggregate classification (germline): Likely benign. Review status: criteria provided, multiple submitters, no conflicts (2 of 4 stars). 6 submissions from 6 submitters: Likely benign (4). 2 of the submissions do not count toward it. Last evaluated 2025-10-25.

Conditions:
Hereditary sensory and autonomic neuropathy type 6. Also called: HSAN VI; Neuropathy, hereditary sensory and autonomic, type VI. Identifiers: Orphanet 314381, MedGen C3539003, MONDO:0013839, OMIM 614653.
Epidermolysis bullosa simplex 3, localized or generalized intermediate, with BP230 deficiency (EBS3). Also called: Epidermolysis bullosa simplex, autosomal recessive 2; Epidermolysis bullosa simplex due to BP230 deficiency. Identifiers: Orphanet 412181, MedGen C3809470, MONDO:0014180, OMIM 615425.
DST-related disorder. Also called: DST-related condition; DST-related disorders.

Submissions (6):

Labcorp Genetics (formerly Invitae), Labcorp
Classification: Likely benign for Epidermolysis bullosa simplex 3, localized or generalized intermediate, with BP230 deficiency; Hereditary sensory and autonomic neuropathy type 6. Last evaluated: 2025-10-25. Review status: criteria provided, single submitter. Criteria: Invitae Variant Classification Sherloc (09022015). Collection method: clinical testing. Allele origin: germline.

PreventionGenetics, part of Exact Sciences
Classification: Likely benign for DST-related condition. Last evaluated: 2025-08-20. Review status: criteria provided, single submitter. Criteria: ACMG Guidelines, 2015. Collection method: clinical testing. Allele origin: germline.
Comment: This variant is classified as likely benign based on ACMG/AMP sequence variant interpretation guidelines (Richards et al. 2015 PMID: 25741868, with internal and published modifications).

Mayo Clinic Laboratories, Mayo Clinic
Classification: Likely benign. Last evaluated: 2025-07-14. Review status: criteria provided, single submitter. Criteria: ACMG Guidelines, 2015. Collection method: clinical testing. Allele origin: germline. Observed: 1 variant allele.
Comment: BP4, BP7

Blueprint Genetics
Classification: Likely benign. Last evaluated: 2024-11-21. Review status: criteria provided, single submitter. Criteria: ACMG Guidelines, 2015. Collection method: clinical testing. Allele origin: germline.

Clinical Genetics DNA and cytogenetics Diagnostics Lab, Erasmus MC, Erasmus Medical Center
Classification: Likely benign. Review status: no assertion criteria provided. Collection method: clinical testing. Allele origin: germline. Affected: yes. Study: VKGL Data-share Consensus. Not counted in ClinVar's aggregate classification.

Clinical Genetics, Academic Medical Center
Classification: Likely benign. Review status: no assertion criteria provided. Collection method: clinical testing. Allele origin: germline. Affected: yes. Study: VKGL Data-share Consensus. Not counted in ClinVar's aggregate classification.